The following is an entry in ClinVar:

ClinVar aggregate classification (germline): Uncertain significance (0 of 4 stars; one submission).

Conditions:
FIG4-related disorder. Also called: FIG4-related condition; FIG4-related disorders.

Submission:

PreventionGenetics, part of Exact Sciences
Classification: Uncertain significance for FIG4-related condition. Last evaluated: 2024-05-08. Review status: no assertion criteria provided. Collection method: clinical testing. Allele origin: germline.
Comment: The FIG4 c.1866G>A variant is predicted to result in the amino acid substitution p.Met622Ile. To our knowledge, this variant has not been reported in the literature or in a large population database, indicating this variant is rare. At this time, the clinical significance of this variant is uncertain due to the absence of conclusive functional and genetic evidence.

NM_014845.6(FIG4):c.1866G>A (p.Met622Ile)

Gene: FIG4 (FIG4 phosphoinositide 5-phosphatase; plus strand). Cytogenetic location: 6q21.
Variant type: single nucleotide variant.
Coding change: c.1866G>A on transcript NM_014845.6 (MANE Select); coding-DNA position 1866, G replaced by A.
Protein change: p.Met622Ile; replaces methionine 622 with isoleucine.
Molecular consequence: missense variant.
Genome position (GRCh38, 1-based): chr6:109,777,037, G>A. VCF-style: chr6-109777037-G-A. GRCh37 (hg19) VCF-style: chr6-110098240-G-A.
Other names: short protein forms M622I.
Identifiers: ClinVar variation 3346352 (VCV003346352.1).
Genomic context (GRCh38, chr6:109,777,037, plus strand): 5'-AGGGAAACCTCATCTCTGGGAGCTCCCAACAGATTTTTATTTGCATCACAAAAATACCAT[G>A]AGACTTTTGCCAACAAGAAGAAGGTATTTTTCTTCCTAGTCTGTAATATAAACTCCCATT-3'
Protein context (NP_055660.1, residues 612-632): TDFYLHHKNT[Met622Ile]RLLPTRRSYT